The following is an entry in ClinVar:

ClinVar aggregate classification (germline): Uncertain significance. Review status: criteria provided, multiple submitters, no conflicts (2 of 4 stars). 2 submissions from 2 submitters: Uncertain significance (2). Last evaluated 2025-09-27.

Conditions:
Fanconi anemia complementation group J. Also called: BRIP1-Related Fanconi Anemia. Identifiers: Orphanet 84, MedGen C1836860, MONDO:0012187, OMIM 609054.
Familial cancer of breast. Also called: Hereditary breast cancer; BREAST CANCER, FAMILIAL; hereditary breast carcinoma. Identifiers: Orphanet 227535, MedGen C0346153, MONDO:0016419, OMIM 114480. Disease mechanism: loss of function.
Familial ovarian cancer. Identifiers: MedGen C5679802, MONDO:0016248.

Submissions (2):

Labcorp Genetics (formerly Invitae), Labcorp
Classification: Uncertain significance for Familial cancer of breast; Fanconi anemia complementation group J. Last evaluated: 2025-09-27. Review status: criteria provided, single submitter. Criteria: Invitae Variant Classification Sherloc (09022015). Collection method: clinical testing. Allele origin: germline.
Comment: This sequence change replaces lysine, which is basic and polar, with arginine, which is basic and polar, at codon 222 of the BRIP1 protein (p.Lys222Arg). This variant is not present in population databases (gnomAD no frequency). This variant has not been reported in the literature in individuals affected with BRIP1-related conditions. ClinVar contains an entry for this variant (Variation ID: 3778963). Invitae Evidence Modeling of protein sequence and biophysical properties (such as structural, functional, and spatial information, amino acid conservation, physicochemical variation, residue mobility, and thermodynamic stability) indicates that this missense variant is not expected to disrupt BRIP1 protein function with a negative predictive value of 95%. In summary, the available evidence is currently insufficient to determine the role of this variant in disease. Therefore, it has been classified as a Variant of Uncertain Significance.

Department of Pathology and Laboratory Medicine, Sinai Health System
Classification: Uncertain significance for familial ovarian cancer. Last evaluated: 2020-01-31. Review status: criteria provided, single submitter. Criteria: ACMG Guidelines, 2015. Collection method: clinical testing. Allele origin: germline. Affected: no.

NM_032043.3(BRIP1):c.665A>G (p.Lys222Arg)

Gene: BRIP1 (BRCA1 interacting DNA helicase 1; minus strand). Cytogenetic location: 17q23.2.
Variant type: single nucleotide variant.
Coding change: c.665A>G on transcript NM_032043.3 (MANE Select); coding-DNA position 665, A replaced by G.
Protein change: p.Lys222Arg; replaces lysine 222 with arginine.
Molecular consequence: missense variant.
Genome position (GRCh38, 1-based): chr17:61,808,720, T>C on the plus strand (A>G on the coding strand, the complement: BRIP1 is on the minus strand). VCF-style: chr17-61808720-T-C. GRCh37 (hg19) VCF-style: chr17-59886081-T-C.
Other names: short protein forms K222R.
Identifiers: ClinVar variation 3778963 (VCV003778963.2).
Genomic context (GRCh38, chr17:61,808,720, plus strand): 5'-TTGGATTTCCCTGTATGATCCTTCTTAATGGTATTCGATGACTCTTGACTGTTTCCTTGT[T>C]TAGTAGAACAACAGCACCTAGAACAGTGGCCAGGGGGCTGTAAGAAAGGAAAGAAACGAT-3'
Protein context (NP_114432.2, residues 212-232): GHCSRCCCST[Lys222Arg]QGNSQESSNT